The following is an entry in ClinVar:

ClinVar aggregate classification (germline): Benign (1 of 4 stars; one submission).

Submission:

GeneDx
Classification: Benign. Last evaluated: 2018-06-14. Review status: criteria provided, single submitter. Criteria: GeneDx Variant Classification (06012015). Collection method: clinical testing. Allele origin: germline. Affected: yes.
Comment: This variant is considered likely benign or benign based on one or more of the following criteria: it is a conservative change, it occurs at a poorly conserved position in the protein, it is predicted to be benign by multiple in silico algorithms, and/or has population frequency not consistent with disease.

NM_000152.5(GAA):c.1327-229_1327-224del

Gene: GAA (alpha glucosidase; plus strand). Cytogenetic location: 17q25.3.
Variant type: Microsatellite.
Coding change: c.1327-229_1327-224del on transcript NM_000152.5 (MANE Select); 229 bases into the intron before coding-DNA position 1327 through 224 bases into the intron before coding-DNA position 1327, 6 bases deleted (GTAAAG; older notation c.1327-229_1327-224delGTAAAG).
Molecular consequence: intron variant.
Genome position (GRCh38, 1-based): chr17:80,109,716-80,109,721, GTAAAG deleted; deleting any 6 consecutive bases within chr17:80,109,706-80,109,721 gives the same sequence; the c. name uses the placement nearest the transcript's 3' end. VCF-style (leftmost placement, unchanged base first): chr17-80109705-AAAAGGT-A. GRCh37 (hg19) VCF-style: chr17-78083504-AAAAGGT-A.
Other names: c.1327-229_1327-224del (NM_001079803.3, NM_001079804.3).
Identifiers: ClinVar variation 681675 (VCV000681675.1), dbSNP rs11277442, ClinGen allele CA294893595.